The following is an entry in ClinVar:

ClinVar aggregate classification (germline): Uncertain significance. Review status: criteria provided, multiple submitters, no conflicts (2 of 4 stars). 2 submissions from 2 submitters: Uncertain significance (2). Last evaluated 2025-09-02.

Conditions:
Hereditary cancer-predisposing syndrome. Also called: Hereditary Cancer Syndrome; Tumor predisposition; Hereditary neoplastic syndrome; Neoplastic Syndromes, Hereditary. Identifiers: Orphanet 140162, MedGen C0027672, MeSH D009386, MONDO:0015356.
Familial adenomatous polyposis 1 (FAP1). Also called: FAMILIAL ADENOMATOUS POLYPOSIS 1, ATTENUATED; POLYPOSIS, ADENOMATOUS INTESTINAL. Identifiers: MedGen C2713442, MONDO:0021056, OMIM 175100. Disease mechanism: loss of function.

Allele frequency attached by ClinVar (database versions not stated): gnomAD exomes below 0.00001.
gnomAD v4.1: 3 of 1,614,092 alleles (0.00019%); highest among the groups gnomAD compares: East Asian, 0.0045%; no homozygotes.

Submissions (2):

Ambry Genetics
Classification: Uncertain significance for Hereditary cancer-predisposing syndrome. Last evaluated: 2025-09-02. Review status: criteria provided, single submitter. Criteria: Ambry Variant Classification Scheme 2023. Collection method: clinical testing. Allele origin: germline.
Comment: The p.G1106R variant (also known as c.3316G>A), located in coding exon 15 of the APC gene, results from a G to A substitution at nucleotide position 3316. The glycine at codon 1106 is replaced by arginine, an amino acid with dissimilar properties. This amino acid position is well conserved in available vertebrate species. In addition, in silico predictors for this gene do not accurately predict pathogenicity. Missense alterations in APC are not a common cause of disease (Spier I et al. Genet Med. 2024 Feb;26(2):100992). Based on the available evidence, the clinical significance of this variant remains unclear.

Labcorp Genetics (formerly Invitae), Labcorp
Classification: Uncertain significance for Familial adenomatous polyposis 1. Last evaluated: 2024-09-18. Review status: criteria provided, single submitter. Criteria: Invitae Variant Classification Sherloc (09022015). Collection method: clinical testing. Allele origin: germline.
Comment: This sequence change replaces glycine, which is neutral and non-polar, with arginine, which is basic and polar, at codon 1106 of the APC protein (p.Gly1106Arg). This variant is not present in population databases (gnomAD no frequency). This variant has not been reported in the literature in individuals affected with APC-related conditions. ClinVar contains an entry for this variant (Variation ID: 1042129). Invitae Evidence Modeling of protein sequence and biophysical properties (such as structural, functional, and spatial information, amino acid conservation, physicochemical variation, residue mobility, and thermodynamic stability) indicates that this missense variant is not expected to disrupt APC protein function with a negative predictive value of 95%. In summary, the available evidence is currently insufficient to determine the role of this variant in disease. Therefore, it has been classified as a Variant of Uncertain Significance.

NM_000038.6(APC):c.3316G>A (p.Gly1106Arg)

Gene: APC (APC regulator of Wnt signaling pathway; plus strand). Cytogenetic location: 5q22.2.
Variant type: single nucleotide variant.
Coding change: c.3316G>A on transcript NM_000038.6 (MANE Select); coding-DNA position 3316, G replaced by A.
Protein change: p.Gly1106Arg; replaces glycine 1106 with arginine.
Molecular consequence: missense variant.
Genome position (GRCh38, 1-based): chr5:112,838,910, G>A. VCF-style: chr5-112838910-G-A. GRCh37 (hg19) VCF-style: chr5-112174607-G-A.
Other names: c.3316G>A, p.Gly1106Arg (NM_001127510.3, NM_001354895.2); c.3262G>A, p.Gly1088Arg (NM_001127511.3); c.3370G>A, p.Gly1124Arg (NM_001354896.2); c.3346G>A, p.Gly1116Arg (NM_001354897.2); c.3241G>A, p.Gly1081Arg (NM_001354898.2); c.3232G>A, p.Gly1078Arg (NM_001354899.2); c.3193G>A, p.Gly1065Arg (NM_001354900.2); c.3139G>A, p.Gly1047Arg (NM_001354901.2); and 5 more; short protein forms G1081R, G1088R, G1015R, G1047R, G1106R, G1124R, G946R, G1005R.
Identifiers: ClinVar variation 1042129 (VCV001042129.51), dbSNP rs1554084921, ClinGen allele CA16028606.